The following is an entry in ClinVar:

ClinVar aggregate classification (germline): Uncertain significance (1 of 4 stars; one submission).

Conditions:
Inborn genetic diseases. Identifiers: MedGen C0950123, MeSH D030342.

gnomAD v4.1: 1 of 1,614,032 alleles (0.000062%); highest among the groups gnomAD compares: African/African-American, 0.0013%; no homozygotes.

Submission:

Ambry Genetics
Classification: Uncertain significance for Inborn genetic diseases. Last evaluated: 2025-01-13. Review status: criteria provided, single submitter. Criteria: Ambry Variant Classification Scheme 2023. Collection method: clinical testing. Allele origin: germline.
Comment: The p.V523I variant (also known as c.1567G>A) is located in coding exon 17 of the FANCA gene. The valine at codon 523 is replaced by isoleucine, an amino acid with highly similar properties. This change occurs in the first base pair of coding exon 17. This amino acid position is conserved. In addition, this alteration is predicted to be tolerated by in silico analysis. Based on the available evidence, the clinical significance of this variant remains unclear.

NM_000135.4(FANCA):c.1567G>A (p.Val523Ile)

Gene: FANCA (FA complementation group A; minus strand). Cytogenetic location: 16q24.3.
Variant type: single nucleotide variant.
Coding change: c.1567G>A on transcript NM_000135.4 (MANE Select); coding-DNA position 1567, G replaced by A.
Protein change: p.Val523Ile; replaces valine 523 with isoleucine.
Molecular consequence: missense variant.
Genome position (GRCh38, 1-based): chr16:89,782,918, C>T on the plus strand (G>A on the coding strand, the complement: FANCA is on the minus strand). VCF-style: chr16-89782918-C-T. GRCh37 (hg19) VCF-style: chr16-89849326-C-T.
Other names: c.1567G>A, p.Val523Ile (NM_001286167.3); short protein forms V523I.
Identifiers: ClinVar variation 3848106 (VCV003848106.1).